The following is an entry in ClinVar:

ClinVar aggregate classification (germline): Benign/Likely benign. Review status: criteria provided, multiple submitters, no conflicts (2 of 4 stars). 4 submissions from 4 submitters: Benign (2); Likely benign (2). Last evaluated 2025-12-25.

Allele frequency attached by ClinVar (database versions not stated): 1000 Genomes Project 0.00220; ExAC 0.00221; gnomAD 0.00001 and 0.00027; TOPMed 0.00004; gnomAD exomes 0.00050 and 0.00111; 1000 Genomes Project 30x 0.00219.
gnomAD v4.1: 779 of 1,605,994 alleles (0.049%); highest among the groups gnomAD compares: South Asian, 0.81%; 6 homozygotes.

Submissions (4):

Labcorp Genetics (formerly Invitae), Labcorp
Classification: Benign. Last evaluated: 2025-12-25. Review status: criteria provided, single submitter. Criteria: Invitae Variant Classification Sherloc (09022015). Collection method: clinical testing. Allele origin: germline.

Blueprint Genetics
Classification: Likely benign. Last evaluated: 2024-10-15. Review status: criteria provided, single submitter. Criteria: ACMG Guidelines, 2015. Collection method: clinical testing. Allele origin: germline.

CeGaT Center for Human Genetics Tuebingen
Classification: Likely benign. Last evaluated: 2023-08-01. Review status: criteria provided, single submitter. Criteria: CeGaT Center For Human Genetics Tuebingen Variant Classification Criteria Version 2. Collection method: clinical testing. Allele origin: germline. Affected: yes. Observed: 1 variant allele.
Comment: TSPEAR: BP4, BP7

GeneDx
Classification: Benign. Last evaluated: 2020-09-25. Review status: criteria provided, single submitter. Criteria: GeneDx Variant Classification Process June 2021. Collection method: clinical testing. Allele origin: germline. Affected: yes.

NM_144991.3(TSPEAR):c.72G>A (p.Glu24=)

Gene: TSPEAR (thrombospondin type laminin G domain and EAR repeats; minus strand). Cytogenetic location: 21q22.3.
Variant type: single nucleotide variant.
Coding change: c.72G>A on transcript NM_144991.3 (MANE Select); coding-DNA position 72, G replaced by A.
Protein change: p.Glu24=; no amino-acid change (glutamic acid 24 retained).
Molecular consequence: synonymous variant. On other transcripts: 5 prime UTR variant (1).
Genome position (GRCh38, 1-based): chr21:44,711,443, C>T on the plus strand (G>A on the coding strand, the complement: TSPEAR is on the minus strand). VCF-style: chr21-44711443-C-T. GRCh37 (hg19) VCF-style: chr21-46131358-C-T.
Other names: c.-195G>A (NM_001272037.2).
Identifiers: ClinVar variation 1166444 (VCV001166444.36), dbSNP rs541177837, ClinGen allele CA10061739.